The following is an entry in ClinVar:

ClinVar aggregate classification (germline): Pathogenic (1 of 4 stars; one submission).

Conditions:
Retinoblastoma (RB1). Also called: RETINOBLASTOMA, SOMATIC. Identifiers: Orphanet 790, MedGen C0035335, MeSH D012175, MONDO:0008380, OMIM 180200, HP:0009919. Disease mechanism: loss of function. Inheritance: Both sporadic and heritable forms are tested..

Submission:

Labcorp Genetics (formerly Invitae), Labcorp
Classification: Pathogenic for Retinoblastoma. Last evaluated: 2024-09-10. Review status: criteria provided, single submitter. Criteria: Invitae Variant Classification Sherloc (09022015). Collection method: clinical testing. Allele origin: germline.
Comment: This sequence change creates a premature translational stop signal (p.Lys420Argfs*3) in the RB1 gene. It is expected to result in an absent or disrupted protein product. Loss-of-function variants in RB1 are known to be pathogenic (PMID: 17096365). This variant is not present in population databases (gnomAD no frequency). This premature translational stop signal has been observed in individual(s) with bilateral retinoblastoma (internal data). In at least one individual the variant was observed to be de novo. ClinVar contains an entry for this variant (Variation ID: 837403). For these reasons, this variant has been classified as Pathogenic.

Literature cited by the submitters: PubMed 17096365.

NM_000321.3(RB1):c.1257del (p.Lys420fs)

Gene: RB1 (RB transcriptional corepressor 1; plus strand). Cytogenetic location: 13q14.2.
Variant type: Deletion.
Coding change: c.1257del on transcript NM_000321.3 (MANE Select); coding-DNA position 1257, one base deleted (G; older notation c.1257delG).
Protein change: p.Lys420fs; shifts the reading frame from lysine 420.
Molecular consequence: frameshift variant.
Genome position (GRCh38, 1-based): chr13:48,376,959, G deleted. VCF-style (leftmost placement, unchanged base first): chr13-48376958-TG-T. GRCh37 (hg19) VCF-style: chr13-48951094-TG-T.
Other names: short protein forms K420fs.
Identifiers: ClinVar variation 837403 (VCV000837403.9), dbSNP rs1952831606, ClinGen allele CA916081689.